The following is an entry in ClinVar:

NM_005918.4(MDH2):c.811G>A (p.Gly271Ser)

Gene: MDH2 (malate dehydrogenase 2; plus strand). Cytogenetic location: 7q11.23.
Variant type: single nucleotide variant.
Coding change: c.811G>A on transcript NM_005918.4 (MANE Select); coding-DNA position 811, G replaced by A.
Protein change: p.Gly271Ser; replaces glycine 271 with serine.
Molecular consequence: missense variant.
Genome position (GRCh38, 1-based): chr7:76,064,879, G>A. VCF-style: chr7-76064879-G-A. GRCh37 (hg19) VCF-style: chr7-75694197-G-A.
Other names: c.685G>A, p.Gly229Ser (NM_001282403.2); c.490G>A, p.Gly164Ser (NM_001282404.2); short protein forms G164S, G271S, G229S.
Identifiers: ClinVar variation 2308756 (VCV002308756.2), dbSNP rs782671567, ClinGen allele CA4305718.

ClinVar aggregate classification (germline): Uncertain significance (1 of 4 stars; one submission).

Conditions:
Inborn genetic diseases. Identifiers: MedGen C0950123, MeSH D030342.

Allele frequency attached by ClinVar (database versions not stated): TOPMed below 0.00001; ExAC 0.00001.

Submission:

Ambry Genetics
Classification: Uncertain significance for Inborn genetic diseases. Last evaluated: 2024-02-22. Review status: criteria provided, single submitter. Criteria: Ambry Variant Classification Scheme 2023. Collection method: clinical testing. Allele origin: germline.
Comment: The p.G271S variant (also known as c.811G>A), located in coding exon 8 of the MDH2 gene, results from a G to A substitution at nucleotide position 811. The glycine at codon 271 is replaced by serine, an amino acid with similar properties. This amino acid position is conserved. In addition, this alteration is predicted to be deleterious by in silico analysis. Based on the available evidence, the clinical significance of this alteration remains unclear.